The following is an entry in ClinVar:

NM_001606.5(ABCA2):c.1090G>A (p.Ala364Thr)

Gene: ABCA2 (ATP binding cassette subfamily A member 2; minus strand). Cytogenetic location: 9q34.3.
Variant type: single nucleotide variant.
Coding change: c.1090G>A on transcript NM_001606.5 (MANE Select); coding-DNA position 1090, G replaced by A.
Protein change: p.Ala364Thr; replaces alanine 364 with threonine.
Molecular consequence: missense variant.
Genome position (GRCh38, 1-based): chr9:137,020,869, C>T on the plus strand (G>A on the coding strand, the complement: ABCA2 is on the minus strand). VCF-style: chr9-137020869-C-T. GRCh37 (hg19) VCF-style: chr9-139915321-C-T.
Other names: c.1087G>A, p.Ala363Thr (NM_001411042.1); c.1180G>A, p.Ala394Thr (NM_212533.3); short protein forms A364T, A363T, A394T.
Identifiers: ClinVar variation 4989534 (VCV004989534.1).

ClinVar aggregate classification (germline): Uncertain significance (1 of 4 stars; one submission).

Conditions:
ABCA2-related disorder. Also called: ABCA2-related condition.

gnomAD v4.1: 49 of 1,546,652 alleles (0.0032%); highest among the groups gnomAD compares: Non-Finnish European, 0.0043%; no homozygotes.

Submission:

PreventionGenetics, part of Exact Sciences
Classification: Uncertain significance for ABCA2-related condition. Last evaluated: 2024-12-30. Review status: criteria provided, single submitter. Criteria: ACMG Guidelines, 2015. Collection method: clinical testing. Allele origin: germline.
Comment: The ABCA2 c.1180G>A variant is predicted to result in the amino acid substitution p.Ala394Thr. This variant is also predicted to create a cryptic donor site and possibly alter splicing based on available splicing prediction programs (SpliceAI, Jaganathan et al. 2019. PubMed ID: 30661751). To our knowledge, this variant has not been reported in the literature. This variant is reported in 0.011% of alleles in individuals of European (Non-Finnish) descent in gnomAD. Although we suspect that this variant may be pathogenic, at this time, the clinical significance of this variant is uncertain due to the absence of conclusive functional and genetic evidence.